The following is an entry in ClinVar:

NM_033026.6(PCLO):c.1441C>T (p.Pro481Ser)

Gene: PCLO (piccolo presynaptic cytomatrix protein; minus strand). Cytogenetic location: 7q21.11.
Variant type: single nucleotide variant.
Coding change: c.1441C>T on transcript NM_033026.6 (MANE Select); coding-DNA position 1441, C replaced by T.
Protein change: p.Pro481Ser; replaces proline 481 with serine.
Molecular consequence: missense variant.
Genome position (GRCh38, 1-based): chr7:83,155,200, G>A on the plus strand (C>T on the coding strand, the complement: PCLO is on the minus strand). VCF-style: chr7-83155200-G-A. GRCh37 (hg19) VCF-style: chr7-82784516-G-A.
Other names: c.1441C>T, p.Pro481Ser (NM_014510.3); c.1441C>T (NM_033026.5); short protein forms P481S.
Identifiers: ClinVar variation 1477277 (VCV001477277.7), dbSNP rs865971917, ClinGen allele CA161190980.

ClinVar aggregate classification (germline): Uncertain significance. Review status: criteria provided, multiple submitters, no conflicts (2 of 4 stars). 2 submissions from 2 submitters: Uncertain significance (2). Last evaluated 2023-07-05.

Conditions:
Inborn genetic diseases. Identifiers: MedGen C0950123, MeSH D030342.

Allele frequency attached by ClinVar (database versions not stated): gnomAD exomes below 0.00001 and 0.00001; gnomAD 0.00001.
gnomAD v4.1: 14 of 1,609,490 alleles (0.00087%); highest among the groups gnomAD compares: Non-Finnish European, 0.0012%; no homozygotes.

Submissions (2):

Ambry Genetics
Classification: Uncertain significance for Inborn genetic diseases. Last evaluated: 2023-07-05. Review status: criteria provided, single submitter. Criteria: Ambry Variant Classification Scheme 2023. Collection method: clinical testing. Allele origin: germline.

Labcorp Genetics (formerly Invitae), Labcorp
Classification: Uncertain significance. Last evaluated: 2022-10-17. Review status: criteria provided, single submitter. Criteria: Invitae Variant Classification Sherloc (09022015). Collection method: clinical testing. Allele origin: germline.
Comment: This sequence change replaces proline, which is neutral and non-polar, with serine, which is neutral and polar, at codon 481 of the PCLO protein (p.Pro481Ser). The frequency data for this variant in the population databases is considered unreliable, as metrics indicate poor data quality at this position in the gnomAD database. This variant has not been reported in the literature in individuals affected with PCLO-related conditions. ClinVar contains an entry for this variant (Variation ID: 1477277). Algorithms developed to predict the effect of missense changes on protein structure and function output the following: SIFT: "Tolerated"; PolyPhen-2: "Possibly Damaging"; Align-GVGD: "Class C0". The serine amino acid residue is found in multiple mammalian species, which suggests that this missense change does not adversely affect protein function. In summary, the available evidence is currently insufficient to determine the role of this variant in disease. Therefore, it has been classified as a Variant of Uncertain Significance.